The following is an entry in ClinVar:

NM_000455.5(STK11):c.69C>G (p.Asp23Glu)

Gene: STK11 (serine/threonine kinase 11; plus strand). Cytogenetic location: 19p13.3.
Variant type: single nucleotide variant.
Coding change: c.69C>G on transcript NM_000455.5 (MANE Select); coding-DNA position 69, C replaced by G.
Protein change: p.Asp23Glu; replaces aspartic acid 23 with glutamic acid.
Molecular consequence: missense variant.
Genome position (GRCh38, 1-based): chr19:1,206,982, C>G. VCF-style: chr19-1206982-C-G. GRCh37 (hg19) VCF-style: chr19-1206981-C-G.
Other names: short protein forms D23E.
Identifiers: ClinVar variation 826758 (VCV000826758.9), dbSNP rs1599914867, ClinGen allele CA402943473.

ClinVar aggregate classification (germline): Uncertain significance. Review status: criteria provided, multiple submitters, no conflicts (2 of 4 stars). 4 submissions from 4 submitters: Uncertain significance (4). Last evaluated 2024-04-09.

Conditions:
Hereditary cancer-predisposing syndrome. Also called: Neoplastic Syndromes, Hereditary; Hereditary Cancer Syndrome; Hereditary neoplastic syndrome; Tumor predisposition. Identifiers: Orphanet 140162, MedGen C0027672, MeSH D009386, MONDO:0015356.
Peutz-Jeghers syndrome (PJS). Also called: Peutz-Jeghers polyposis; Periorificial lentiginosis syndrome; POLYPOSIS, HAMARTOMATOUS INTESTINAL; POLYPS-AND-SPOTS SYNDROME. Identifiers: Orphanet 2869, MedGen C0031269, MeSH D010580, MONDO:0008280, OMIM 175200.

Submissions (4):

Labcorp Genetics (formerly Invitae), Labcorp
Classification: Uncertain significance for Peutz-Jeghers syndrome. Last evaluated: 2024-04-09. Review status: criteria provided, single submitter. Criteria: Invitae Variant Classification Sherloc (09022015). Collection method: clinical testing. Allele origin: germline.
Comment: This sequence change replaces aspartic acid, which is acidic and polar, with glutamic acid, which is acidic and polar, at codon 23 of the STK11 protein (p.Asp23Glu). This variant is not present in population databases (gnomAD no frequency). This variant has not been reported in the literature in individuals affected with STK11-related conditions. ClinVar contains an entry for this variant (Variation ID: 826758). Advanced modeling of protein sequence and biophysical properties (such as structural, functional, and spatial information, amino acid conservation, physicochemical variation, residue mobility, and thermodynamic stability) performed at Invitae indicates that this missense variant is not expected to disrupt STK11 protein function with a negative predictive value of 95%. In summary, the available evidence is currently insufficient to determine the role of this variant in disease. Therefore, it has been classified as a Variant of Uncertain Significance.

Genome-Nilou Lab
Classification: Uncertain significance for Peutz-Jeghers syndrome. Last evaluated: 2021-07-15. Review status: criteria provided, single submitter. Criteria: ACMG Guidelines, 2015. Collection method: clinical testing. Allele origin: germline. Affected: no.

Quest Diagnostics Nichols Institute San Juan Capistrano
Classification: Uncertain significance. Last evaluated: 2020-03-31. Review status: criteria provided, single submitter. Criteria: Quest Diagnostics criteria. Collection method: clinical testing. Allele origin: unknown.

Ambry Genetics
Classification: Uncertain significance for Hereditary cancer-predisposing syndrome. Last evaluated: 2017-12-27. Review status: criteria provided, single submitter. Criteria: Ambry Variant Classification Scheme 2023. Collection method: clinical testing. Allele origin: germline.
Comment: The p.D23E variant (also known as c.69C>G), located in coding exon 1 of the STK11 gene, results from a C to G substitution at nucleotide position 69. The aspartic acid at codon 23 is replaced by glutamic acid, an amino acid with highly similar properties. This amino acid position is highly conserved in available vertebrate species. In addition, the in silico prediction for this alteration is inconclusive. Since supporting evidence is limited at this time, the clinical significance of this alteration remains unclear.